The following is an entry in ClinVar:

NM_001958.5(EEF1A2):c.-25G>T

Gene: EEF1A2 (eukaryotic translation elongation factor 1 alpha 2; minus strand). Cytogenetic location: 20q13.33.
Variant type: single nucleotide variant.
Coding change: c.-25G>T on transcript NM_001958.5 (MANE Select); 25 bases upstream of the start codon, G replaced by T.
Molecular consequence: 5 prime UTR variant.
Genome position (GRCh38, 1-based): chr20:63,497,788, C>A on the plus strand (G>T on the coding strand, the complement: EEF1A2 is on the minus strand). VCF-style: chr20-63497788-C-A. GRCh37 (hg19) VCF-style: chr20-62129141-C-A.
Identifiers: ClinVar variation 388942 (VCV000388942.1), dbSNP rs60257456, ClinGen allele CA9959221.

ClinVar aggregate classification (germline): Likely benign (1 of 4 stars; one submission).

Allele frequency attached by ClinVar (database versions not stated): TOPMed 0.00001.
gnomAD v4.1: 36 of 1,604,388 alleles (0.0022%); highest among the groups gnomAD compares: Middle Eastern, 0.017%; no homozygotes.

Submission:

GeneDx
Classification: Likely benign. Last evaluated: 2016-08-29. Review status: criteria provided, single submitter. Criteria: GeneDx Variant Classification (06012015). Collection method: clinical testing. Allele origin: germline. Affected: yes.
Comment: This variant is considered likely benign or benign based on one or more of the following criteria: it is a conservative change, it occurs at a poorly conserved position in the protein, it is predicted to be benign by multiple in silico algorithms, and/or has population frequency not consistent with disease.